The following is an entry in ClinVar:

NM_000038.6(APC):c.6166C>T (p.Leu2056Phe)

Gene: APC (APC regulator of Wnt signaling pathway; plus strand). Cytogenetic location: 5q22.2.
Variant type: single nucleotide variant.
Coding change: c.6166C>T on transcript NM_000038.6 (MANE Select); coding-DNA position 6166, C replaced by T.
Protein change: p.Leu2056Phe; replaces leucine 2056 with phenylalanine.
Molecular consequence: missense variant.
Genome position (GRCh38, 1-based): chr5:112,841,760, C>T. VCF-style: chr5-112841760-C-T. GRCh37 (hg19) VCF-style: chr5-112177457-C-T.
Other names: c.5317C>T, p.Leu1773Phe (NM_001354906.2); c.6166C>T, p.Leu2056Phe (NM_001127510.3, NM_001354895.2); c.6112C>T, p.Leu2038Phe (NM_001127511.3); c.6220C>T, p.Leu2074Phe (NM_001354896.2); c.6196C>T, p.Leu2066Phe (NM_001354897.2); c.6091C>T, p.Leu2031Phe (NM_001354898.2); c.6082C>T, p.Leu2028Phe (NM_001354899.2); c.6043C>T, p.Leu2015Phe (NM_001354900.2); and 5 more; short protein forms L2038F, L2056F, L2015F, L1896F, L1930F, L2074F, L1955F, L2028F.
Identifiers: ClinVar variation 470037 (VCV000470037.17), dbSNP rs921599281, ClinGen allele CA16034835.

ClinVar aggregate classification (germline): Uncertain significance. Review status: criteria provided, multiple submitters, no conflicts (2 of 4 stars). 3 submissions from 3 submitters: Uncertain significance (3). Last evaluated 2025-04-11.

Conditions:
Familial adenomatous polyposis 1 (FAP1). Also called: POLYPOSIS, ADENOMATOUS INTESTINAL; FAMILIAL ADENOMATOUS POLYPOSIS 1, ATTENUATED. Identifiers: MedGen C2713442, MONDO:0021056, OMIM 175100. Disease mechanism: loss of function.
Hereditary cancer-predisposing syndrome. Also called: Hereditary neoplastic syndrome; Neoplastic Syndromes, Hereditary; Tumor predisposition; Hereditary Cancer Syndrome. Identifiers: Orphanet 140162, MedGen C0027672, MeSH D009386, MONDO:0015356.

Submissions (3):

Ambry Genetics
Classification: Uncertain significance for Hereditary cancer-predisposing syndrome. Last evaluated: 2025-04-11. Review status: criteria provided, single submitter. Criteria: Ambry Variant Classification Scheme 2023. Collection method: clinical testing. Allele origin: germline.
Comment: The p.L2056F variant (also known as c.6166C>T), located in coding exon 15 of the APC gene, results from a C to T substitution at nucleotide position 6166. The leucine at codon 2056 is replaced by phenylalanine, an amino acid with highly similar properties. This amino acid position is poorly conserved in available vertebrate species. In addition, in silico predictors for this gene do not accurately predict pathogenicity. Since supporting evidence is limited at this time, the clinical significance of this alteration remains unclear.

Labcorp Genetics (formerly Invitae), Labcorp
Classification: Uncertain significance for Familial adenomatous polyposis 1. Last evaluated: 2024-05-22. Review status: criteria provided, single submitter. Criteria: Invitae Variant Classification Sherloc (09022015). Collection method: clinical testing. Allele origin: germline.
Comment: This sequence change replaces leucine, which is neutral and non-polar, with phenylalanine, which is neutral and non-polar, at codon 2056 of the APC protein (p.Leu2056Phe). This variant is not present in population databases (gnomAD no frequency). This variant has not been reported in the literature in individuals affected with APC-related conditions. ClinVar contains an entry for this variant (Variation ID: 470037). Advanced modeling of protein sequence and biophysical properties (such as structural, functional, and spatial information, amino acid conservation, physicochemical variation, residue mobility, and thermodynamic stability) performed at Invitae indicates that this missense variant is not expected to disrupt APC protein function with a negative predictive value of 95%. In summary, the available evidence is currently insufficient to determine the role of this variant in disease. Therefore, it has been classified as a Variant of Uncertain Significance.

Color Diagnostics, LLC DBA Color Health
Classification: Uncertain significance for Hereditary cancer-predisposing syndrome. Last evaluated: 2019-12-14. Review status: criteria provided, single submitter. Criteria: ACMG Guidelines, 2015. Collection method: clinical testing. Allele origin: germline.
Comment: This missense variant replaces leucine with phenylalanine at codon 2056 of the APC protein. Computational prediction suggests that this variant may not impact protein structure and function (internally defined REVEL score threshold <= 0.5, PMID: 27666373). Splice site prediction tools suggest that this variant may not impact RNA splicing. To our knowledge, functional studies have not been performed for this variant. This variant has not been reported in individuals affected with hereditary cancer in the literature. This variant has not been identified in the general population by the Genome Aggregation Database (gnomAD). The available evidence is insufficient to determine the role of this variant in disease conclusively. Therefore, this variant is classified as a Variant of Uncertain Significance.